The following is an entry in ClinVar:

ClinVar aggregate classification (germline): Benign. Review status: criteria provided, multiple submitters, no conflicts (2 of 4 stars). 2 submissions from 2 submitters: Benign (2). Last evaluated 2026-05-01.

Allele frequency attached by ClinVar (database versions not stated): gnomAD exomes 0.00323; ExAC 0.00335; 1000 Genomes Project 30x 0.00968; gnomAD 0.00999 and 0.00952; TOPMed 0.01043; 1000 Genomes Project 0.00879; ESP Exome Variant Server 0.00884.
gnomAD v4.1: 3,973 of 1,614,082 alleles (0.25%); highest among the groups gnomAD compares: African/African-American, 2.7%; 41 homozygotes.

Submissions (2):

CeGaT Center for Human Genetics Tuebingen
Classification: Benign. Last evaluated: 2026-05-01. Review status: criteria provided, single submitter. Criteria: CeGaT Center For Human Genetics Tuebingen Variant Classification Criteria Version 2. Collection method: clinical testing. Allele origin: germline. Affected: yes. Observed: 2 variant alleles.
Comment: PCDHGC5: BP4, BP7, BS1, BS2

Labcorp Genetics (formerly Invitae), Labcorp
Classification: Benign. Last evaluated: 2017-11-16. Review status: criteria provided, single submitter. Criteria: Invitae Variant Classification Sherloc (09022015). Collection method: clinical testing. Allele origin: germline.

NM_018929.3(PCDHGC5):c.1407G>A (p.Pro469=)

Genes: PCDHGA5 (protocadherin gamma subfamily A, 5; plus strand), PCDHGA6 (protocadherin gamma subfamily A, 6; plus strand), PCDHGA7 (protocadherin gamma subfamily A, 7; plus strand), PCDHGC4 (protocadherin gamma subfamily C, 4; plus strand), PCDHGC5 (protocadherin gamma subfamily C, 5; plus strand) and 18 more. Cytogenetic location: 5q31.3.
Variant type: single nucleotide variant.
Coding change: c.1407G>A on transcript NM_018929.3 (MANE Select); coding-DNA position 1407, G replaced by A.
Protein change: p.Pro469=; no amino-acid change (proline 469 retained).
Molecular consequence: synonymous variant. On other transcripts: intron variant (24).
Genome position (GRCh38, 1-based): chr5:141,490,647, G>A. VCF-style: chr5-141490647-G-A. GRCh37 (hg19) VCF-style: chr5-140870214-G-A.
Other names: c.1407G>A, p.Pro469= (NM_032407.1); c.2422-4160G>A (NM_018912.3, NM_018923.3, NM_018918.3); c.2425-4160G>A (NM_018915.4, NM_018916.4, NM_018919.3 and 4 more transcripts); c.2410-4160G>A (NM_018922.3); c.2515-4160G>A (NM_018917.4); c.2416-4160G>A (NM_018924.5, NM_018927.4); c.2398-4160G>A (NM_003736.4, NM_018925.3); c.2419-4160G>A (NM_018926.3); and 7 more.
Identifiers: ClinVar variation 776071 (VCV000776071.9), dbSNP rs2233607, ClinGen allele CA3478308.